The following is an entry in ClinVar:

ClinVar aggregate classification (germline): Conflicting classifications of pathogenicity. Review status: criteria provided, conflicting classifications (1 of 4 stars). 2 submissions from 2 submitters: Uncertain significance (1); Likely benign (1). Last evaluated 2024-03-28.

Conditions:
Neutral lipid storage myopathy (NLSDM). Also called: NEUTRAL LIPID STORAGE DISEASE WITHOUT ICHTHYOSIS. Identifiers: Orphanet 98908, MedGen C1853136, MONDO:0012545, OMIM 610717.
Inborn genetic diseases. Identifiers: MedGen C0950123, MeSH D030342.

Submissions (2):

Ambry Genetics
Classification: Likely benign for Inborn genetic diseases. Last evaluated: 2024-03-28. Review status: criteria provided, single submitter. Criteria: Ambry Variant Classification Scheme 2023. Collection method: clinical testing. Allele origin: germline.

Labcorp Genetics (formerly Invitae), Labcorp
Classification: Uncertain significance for Neutral lipid storage myopathy. Last evaluated: 2022-07-06. Review status: criteria provided, single submitter. Criteria: Invitae Variant Classification Sherloc (09022015). Collection method: clinical testing. Allele origin: germline.
Comment: Algorithms developed to predict the effect of missense changes on protein structure and function output the following: SIFT: "Tolerated"; PolyPhen-2: "Benign"; Align-GVGD: "Class C0". The threonine amino acid residue is found in multiple mammalian species, which suggests that this missense change does not adversely affect protein function. In summary, the available evidence is currently insufficient to determine the role of this variant in disease. Therefore, it has been classified as a Variant of Uncertain Significance. ClinVar contains an entry for this variant (Variation ID: 933937). This variant has not been reported in the literature in individuals affected with PNPLA2-related conditions. This variant is not present in population databases (gnomAD no frequency). This sequence change replaces alanine, which is neutral and non-polar, with threonine, which is neutral and polar, at codon 414 of the PNPLA2 protein (p.Ala414Thr).

NM_020376.4(PNPLA2):c.1240G>A (p.Ala414Thr)

Gene: PNPLA2 (patatin like domain 2, triacylglycerol lipase; plus strand). Cytogenetic location: 11p15.5.
Variant type: single nucleotide variant.
Coding change: c.1240G>A on transcript NM_020376.4 (MANE Select); coding-DNA position 1240, G replaced by A.
Protein change: p.Ala414Thr; replaces alanine 414 with threonine.
Molecular consequence: missense variant.
Genome position (GRCh38, 1-based): chr11:824,587, G>A. VCF-style: chr11-824587-G-A. GRCh37 (hg19) VCF-style: chr11-824587-G-A.
Other names: short protein forms A414T.
Identifiers: ClinVar variation 933937 (VCV000933937.10), dbSNP rs905195009, ClinGen allele CA378984525.